The following is an entry in ClinVar:

ClinVar aggregate classification (germline): Likely pathogenic. Review status: criteria provided, single submitter (1 of 4 stars). 2 submissions from 2 submitters: Likely pathogenic (1). 1 of the submissions does not count toward it. Last evaluated 2025-07-23.

Conditions:
Alstrom syndrome (ALMS). Identifiers: Orphanet 64, MedGen C0268425, MONDO:0008763, OMIM 203800.

Submissions (2):

Labcorp Genetics (formerly Invitae), Labcorp
Classification: Likely pathogenic for Alstrom syndrome. Last evaluated: 2025-07-23. Review status: criteria provided, single submitter. Criteria: Invitae Variant Classification Sherloc (09022015). Collection method: clinical testing. Allele origin: germline.
Comment: This sequence change affects a donor splice site in intron 18 of the ALMS1 gene. It is expected to disrupt RNA splicing. Variants that disrupt the donor or acceptor splice site typically lead to a loss of protein function (PMID: 16199547), and loss-of-function variants in ALMS1 are known to be pathogenic (PMID: 17594715). This variant is not present in population databases (gnomAD no frequency). This variant has not been reported in the literature in individuals affected with ALMS1-related conditions. ClinVar contains an entry for this variant (Variation ID: 554708). Algorithms developed to predict the effect of sequence changes on RNA splicing suggest that this variant may disrupt the consensus splice site. In summary, the currently available evidence indicates that the variant is pathogenic, but additional data are needed to prove that conclusively. Therefore, this variant has been classified as Likely Pathogenic.

Counsyl
Classification: Likely pathogenic for Alstrom syndrome. Last evaluated: 2017-11-01. Review status: no assertion criteria provided. Collection method: clinical testing. Allele origin: unknown. Not counted in ClinVar's aggregate classification.

Literature cited by the submitters: PubMed 16199547 (cited by Labcorp Genetics (formerly Invitae), Labcorp); PubMed 17594715 (cited by Labcorp Genetics (formerly Invitae), Labcorp).

NM_001378454.1(ALMS1):c.11872+2T>A

Gene: ALMS1 (ALMS1 centrosome and basal body associated protein; plus strand). Cytogenetic location: 2p13.1.
Variant type: single nucleotide variant.
Coding change: c.11872+2T>A on transcript NM_001378454.1 (MANE Select); the canonical splice donor site of the intron after coding-DNA position 11872, T replaced by A.
Molecular consequence: splice donor variant.
Genome position (GRCh38, 1-based): chr2:73,600,883, T>A. VCF-style: chr2-73600883-T-A. GRCh37 (hg19) VCF-style: chr2-73828010-T-A.
Other names: c.11875+2T>A (NM_015120.4); c.11872+2T>A (NM_015120.4).
Identifiers: ClinVar variation 554708 (VCV000554708.9), dbSNP rs1553421657, ClinGen allele CA347265229.